The following is an entry in ClinVar:

ClinVar aggregate classification (germline): Uncertain significance. Review status: criteria provided, multiple submitters, no conflicts (2 of 4 stars). 2 submissions from 2 submitters: Uncertain significance (2). Last evaluated 2025-01-23.

Conditions:
Epidermolysis bullosa simplex 5B, with muscular dystrophy (EBS5B). Also called: Epidermolysis bullosa simplex with muscular dystrophy; EPIDERMOLYSIS BULLOSA SIMPLEX AND LIMB-GIRDLE MUSCULAR DYSTROPHY. Identifiers: Orphanet 257, MedGen C2931072, MONDO:0009181, OMIM 226670.
Epidermolysis bullosa simplex, Ogna type (EBS5A). Also called: Pidermolysis bullosa simplex 5A, Ogna type; EPIDERMOLYSIS BULLOSA SIMPLEX 5A, OGNA TYPE. Identifiers: Orphanet 79401, MedGen C0432317, MONDO:0007555, OMIM 131950.
Epidermolysis bullosa simplex 5C, with pyloric atresia (EBS5C). Also called: PLEC1-Related Epidermolysis Bullosa with Pyloric Atresia; PLEC-Related Epidermolysis Bullosa with Pyloric Atresia; Epidermolysis bullosa simplex with pyloric atresia. Identifiers: Orphanet 158684, MedGen C2677349, MONDO:0012807, OMIM 612138.
Epidermolysis bullosa simplex with nail dystrophy (EBS5D). Identifiers: MedGen C4225309, MONDO:0014661, OMIM 616487.
Autosomal recessive limb-girdle muscular dystrophy type 2Q (LGMDR17). Also called: MUSCULAR DYSTROPHY, LIMB-GIRDLE, AUTOSOMAL RECESSIVE 17. Identifiers: Orphanet 254361, MedGen C3150989, MONDO:0013390, OMIM 613723.
Inborn genetic diseases. Identifiers: MedGen C0950123, MeSH D030342.

Allele frequency attached by ClinVar (database versions not stated): gnomAD 0.00001 and 0.00002; gnomAD exomes 0.00001; TOPMed 0.00001.
gnomAD v4.1: 19 of 1,576,234 alleles (0.0012%); highest among the groups gnomAD compares: South Asian, 0.0045%; no homozygotes.

Submissions (2):

Ambry Genetics
Classification: Uncertain significance for Inborn genetic diseases. Last evaluated: 2025-01-23. Review status: criteria provided, single submitter. Criteria: Ambry Variant Classification Scheme 2023. Collection method: clinical testing. Allele origin: germline.

Labcorp Genetics (formerly Invitae), Labcorp
Classification: Uncertain significance for Autosomal recessive limb-girdle muscular dystrophy type 2Q; Epidermolysis bullosa simplex, Ogna type; Epidermolysis bullosa simplex with nail dystrophy; Epidermolysis bullosa simplex 5C, with pyloric atresia; Epidermolysis bullosa simplex 5B, with muscular dystrophy. Last evaluated: 2024-07-06. Review status: criteria provided, single submitter. Criteria: Invitae Variant Classification Sherloc (09022015). Collection method: clinical testing. Allele origin: germline.
Comment: This sequence change replaces arginine, which is basic and polar, with tryptophan, which is neutral and slightly polar, at codon 1672 of the PLEC protein (p.Arg1672Trp). The frequency data for this variant in the population databases is considered unreliable, as metrics indicate poor data quality at this position in the gnomAD database. This variant has not been reported in the literature in individuals affected with PLEC-related conditions. ClinVar contains an entry for this variant (Variation ID: 1345072). Advanced modeling of protein sequence and biophysical properties (such as structural, functional, and spatial information, amino acid conservation, physicochemical variation, residue mobility, and thermodynamic stability) has been performed at Invitae for this missense variant, however the output from this modeling did not meet the statistical confidence thresholds required to predict the impact of this variant on PLEC protein function. In summary, the available evidence is currently insufficient to determine the role of this variant in disease. Therefore, it has been classified as a Variant of Uncertain Significance.

NM_201384.3(PLEC):c.4933C>T (p.Arg1645Trp)

Gene: PLEC (plectin; minus strand). Cytogenetic location: 8q24.3.
Variant type: single nucleotide variant.
Coding change: c.4933C>T on transcript NM_201384.3 (MANE Select); coding-DNA position 4933, C replaced by T.
Protein change: p.Arg1645Trp; replaces arginine 1645 with tryptophan.
Molecular consequence: missense variant.
Genome position (GRCh38, 1-based): chr8:143,924,996, G>A on the plus strand (C>T on the coding strand, the complement: PLEC is on the minus strand). VCF-style: chr8-143924996-G-A. GRCh37 (hg19) VCF-style: chr8-144999164-G-A.
Other names: c.5014C>T (NM_000445.3); c.5014C>T, p.Arg1672Trp (NM_000445.5); c.4891C>T, p.Arg1631Trp (NM_201378.4); c.4867C>T, p.Arg1623Trp (NM_201379.3); c.5344C>T, p.Arg1782Trp (NM_201380.4); c.4837C>T, p.Arg1613Trp (NM_201381.3); c.4933C>T, p.Arg1645Trp (NM_201382.4); c.4945C>T, p.Arg1649Trp (NM_201383.3); short protein forms R1613W, R1623W, R1631W, R1672W, R1782W, R1645W, R1649W.
Identifiers: ClinVar variation 1345072 (VCV001345072.9), dbSNP rs868962122, ClinGen allele CA372551529.